The following is an entry in ClinVar:

ClinVar aggregate classification (germline): Uncertain significance (1 of 4 stars; one submission).

Conditions:
POLD1-related polyposis and colorectal cancer syndrome (CRCS10). Also called: COLORECTAL CANCER, SUSCEPTIBILITY TO, ON CHROMOSOME 19q; Colorectal cancer 10; Colorectal cancer, susceptibility to, 10. Identifiers: Orphanet 220460, MedGen C2675481, MONDO:0012953, OMIM 612591.

Submission:

Labcorp Genetics (formerly Invitae), Labcorp
Classification: Uncertain significance for POLD1-related polyposis and colorectal cancer syndrome. Last evaluated: 2025-10-21. Review status: criteria provided, single submitter. Criteria: Invitae Variant Classification Sherloc (09022015). Collection method: clinical testing. Allele origin: germline.
Comment: This sequence change replaces aspartic acid, which is acidic and polar, with glycine, which is neutral and non-polar, at codon 88 of the POLD1 protein (p.Asp88Gly). This variant is not present in population databases (gnomAD no frequency). This variant has not been reported in the literature in individuals affected with POLD1-related conditions. Invitae Evidence Modeling of protein sequence and biophysical properties (such as structural, functional, and spatial information, amino acid conservation, physicochemical variation, residue mobility, and thermodynamic stability) indicates that this missense variant is not expected to disrupt POLD1 protein function with a negative predictive value of 80%. In summary, the available evidence is currently insufficient to determine the role of this variant in disease. Therefore, it has been classified as a Variant of Uncertain Significance.

NM_002691.4(POLD1):c.263A>G (p.Asp88Gly)

Gene: POLD1 (DNA polymerase delta 1, catalytic subunit; plus strand). Cytogenetic location: 19q13.33.
Variant type: single nucleotide variant.
Coding change: c.263A>G on transcript NM_002691.4 (MANE Select); coding-DNA position 263, A replaced by G.
Protein change: p.Asp88Gly; replaces aspartic acid 88 with glycine.
Molecular consequence: missense variant. On other transcripts: non-coding transcript variant (1).
Genome position (GRCh38, 1-based): chr19:50,399,431, A>G. VCF-style: chr19-50399431-A-G. GRCh37 (hg19) VCF-style: chr19-50902688-A-G.
Other names: c.263A>G, p.Asp88Gly (NM_001256849.1, NM_001308632.1, NM_001438210.1 and 3 more transcripts); short protein forms D88G.
Identifiers: ClinVar variation 4746087 (VCV004746087.1).
Genomic context (GRCh38, chr19:50,399,431, plus strand): 5'-GGCAGGTCCCACCATCAGCCATAGATCCTCGCTGGCTTCGGCCCACACCACCAGCGCTGG[A>G]CCCCCAGACAGAGCCCCTCATCTTCCAACAGTTGGAGATTGACCATTATGTGGGTGAGTT-3'
Protein context (NP_002682.2, residues 78-98): RWLRPTPPAL[Asp88Gly]PQTEPLIFQQ